The following is an entry in ClinVar:

NM_000138.5(FBN1):c.6872-4A>G

Gene: FBN1 (fibrillin 1; minus strand). Cytogenetic location: 15q21.1.
Variant type: single nucleotide variant.
Coding change: c.6872-4A>G on transcript NM_000138.5 (MANE Select); 4 bases into the intron before coding-DNA position 6872, A replaced by G.
Molecular consequence: intron variant.
Genome position (GRCh38, 1-based): chr15:48,428,475, T>C on the plus strand (A>G on the coding strand, the complement: FBN1 is on the minus strand). VCF-style: chr15-48428475-T-C. GRCh37 (hg19) VCF-style: chr15-48720672-T-C.
Other names: c.6872-4A>G (NM_000138.4).
Identifiers: ClinVar variation 1306329 (VCV001306329.5), dbSNP rs1207038649, ClinGen allele CA617833896.

ClinVar aggregate classification (germline): Uncertain significance. Review status: criteria provided, multiple submitters, no conflicts (2 of 4 stars). 2 submissions from 2 submitters: Uncertain significance (2). Last evaluated 2025-12-18.

Conditions:
Familial thoracic aortic aneurysm and aortic dissection (TAAD). Also called: Thoracic aortic aneurysms and dissections. Identifiers: Orphanet 91387, MedGen C4707243, MONDO:0019625.

Allele frequency attached by ClinVar (database versions not stated): gnomAD exomes below 0.00001.
gnomAD v4.1: 7 of 1,613,910 alleles (0.00043%); highest among the groups gnomAD compares: Non-Finnish European, 0.00051%; no homozygotes.

Submissions (2):

Ambry Genetics
Classification: Uncertain significance for Familial thoracic aortic aneurysm and aortic dissection. Last evaluated: 2025-12-18. Review status: criteria provided, single submitter. Criteria: Ambry Variant Classification Scheme 2023. Collection method: clinical testing. Allele origin: germline.
Comment: The c.6872-4A>G intronic variant results from an A to G substitution 4 nucleotides upstream from coding exon 56 in the FBN1 gene. This nucleotide position is well conserved in available vertebrate species. In silico splice site analysis predicts that this alteration will result in the creation or strengthening of a novel splice acceptor site. Since supporting evidence is limited at this time, the clinical significance of this alteration remains unclear.

GeneDx
Classification: Uncertain significance. Last evaluated: 2019-07-25. Review status: criteria provided, single submitter. Criteria: GeneDx Variant Classification Process June 2021. Collection method: clinical testing. Allele origin: germline. Affected: yes.
Comment: Has not been previously published as pathogenic or benign to our knowledge; Not observed at a significant frequency in large population cohorts (Lek et al., 2016); In-silico analysis, which includes splice predictors and evolutionary conservation, is inconclusive as to whether the variant alters gene splicing; in the absence of RNA/functional studies, the actual effect of this sequence change is unknown